The following is an entry in ClinVar:

ClinVar aggregate classification (germline): Uncertain significance (1 of 4 stars; one submission).

Conditions:
Hereditary cancer-predisposing syndrome. Also called: Hereditary neoplastic syndrome; Tumor predisposition; Neoplastic Syndromes, Hereditary; Hereditary Cancer Syndrome. Identifiers: Orphanet 140162, MedGen C0027672, MeSH D009386, MONDO:0015356.

Submission:

Labcorp Genetics (formerly Invitae), Labcorp
Classification: Uncertain significance for Hereditary cancer-predisposing syndrome. Last evaluated: 2018-04-24. Review status: criteria provided, single submitter. Criteria: Invitae Variant Classification Sherloc (09022015). Collection method: clinical testing. Allele origin: germline.
Comment: In summary, the available evidence is currently insufficient to determine the role of this variant in disease. Therefore, it has been classified as a Variant of Uncertain Significance. Algorithms developed to predict the effect of missense changes on protein structure and function do not agree on the potential impact of this missense change (SIFT: "Tolerated"; PolyPhen-2: "Probably damaging"; Align-GVGD: "Class C0"). This variant has not been reported in the literature in individuals with RAD50-related disease. This variant is not present in population databases (ExAC no frequency). This sequence change replaces glutamic acid with histidine at codon 1295 of the RAD50 protein (p.Gln1295His). The glutamic acid residue is moderately conserved and there is a small physicochemical difference between glutamic acid and histidine.

NM_005732.4(RAD50):c.3885G>T (p.Gln1295His)

Genes: TH2LCRR (T helper type 2 locus control region associated RNA; minus strand), RAD50 (RAD50 double strand break repair protein; plus strand). Cytogenetic location: 5q31.1.
Variant type: single nucleotide variant.
Coding change: c.3885G>T on transcript NM_005732.4 (MANE Select); coding-DNA position 3885, G replaced by T.
Protein change: p.Gln1295His; replaces glutamine 1295 with histidine.
Molecular consequence: missense variant.
Genome position (GRCh38, 1-based): chr5:132,642,310, G>T. VCF-style: chr5-132642310-G-T. GRCh37 (hg19) VCF-style: chr5-131978002-G-T.
Other names: short protein forms Q1295H.
Identifiers: ClinVar variation 570528 (VCV000570528.9), dbSNP rs1561661938, ClinGen allele CA360937233.
Genomic context (GRCh38, chr5:132,642,310, plus strand): 5'-GCTTTTAGGACGTTCTGAATATGTGGAGAAATTCTACAGGATTAAAAAGAACATCGATCA[G>T]TGCTCAGAGATTGTGAAATGCAGTGTTAGCTCCCTGGGATTCAATGTTCATTAAAAATAT-3'
Protein context (NP_005723.2, residues 1285-1305): KFYRIKKNID[Gln1295His]CSEIVKCSVS